The following is an entry in ClinVar:

NM_000390.4(CHM):c.590del (p.Ser197fs)

Gene: CHM (CHM Rab escort protein; minus strand). Cytogenetic location: Xq21.2.
Variant type: Deletion.
Coding change: c.590del on transcript NM_000390.4 (MANE Select); coding-DNA position 590, one base deleted (G; older notation c.590delG).
Protein change: p.Ser197fs; shifts the reading frame from serine 197.
Molecular consequence: frameshift variant.
Genome position (GRCh38, 1-based): chrX:85,963,777, C deleted on the plus strand (G on the coding strand, the reverse complement: CHM is on the minus strand). VCF-style (leftmost placement, unchanged base first): chrX-85963776-AC-A. GRCh37 (hg19) VCF-style: chrX-85218781-AC-A.
Other names: c.146del, p.Ser49fs (NM_001320959.1, NM_001362517.1, NM_001362518.2 and 1 more transcripts); short protein forms S197fs, S49fs.
Identifiers: ClinVar variation 4880561 (VCV004880561.2).

ClinVar aggregate classification (germline): Likely pathogenic (1 of 4 stars; one submission).

Conditions:
Choroideremia. Also called: Chorioretinal scalloped atrophy. Identifiers: Orphanet 180, MedGen C0008525, MONDO:0010557, OMIM 303100, HP:0001139.

Submission:

Dasa
Classification: Likely pathogenic for Choroideremia. Last evaluated: 2025-07-18. Review status: criteria provided, single submitter. Criteria: DASA Assertion Criteria. Collection method: clinical testing. Allele origin: germline.
Comment: NM_000390.4(CHM):c.590del (p.Ser197Metfs*6) is a frameshift variant in CHM predicted to alter the reading frame and introduce a premature termination codon and is predicted to result in an absent or altered protein product. Loss of function is an established disease mechanism for CHM (PMID: 33538369; PMID: 27070432). Also, this variant is absent from population databases. Based on the currently available evidence, this variant is classified as likely pathogenic.

Literature cited by the submitters: PubMed 33538369; PubMed 27070432.